The following is an entry in ClinVar:

NM_004700.4(KCNQ4):c.274G>A (p.Glu92Lys)

Gene: KCNQ4 (potassium voltage-gated channel subfamily Q member 4; plus strand). Cytogenetic location: 1p34.2.
Variant type: single nucleotide variant.
Coding change: c.274G>A on transcript NM_004700.4 (MANE Select); coding-DNA position 274, G replaced by A.
Protein change: p.Glu92Lys; replaces glutamic acid 92 with lysine.
Molecular consequence: missense variant.
Genome position (GRCh38, 1-based): chr1:40,784,367, G>A. VCF-style: chr1-40784367-G-A. GRCh37 (hg19) VCF-style: chr1-41250039-G-A.
Other names: c.274G>A, p.Glu92Lys (NM_172163.3); short protein forms E92K.
Identifiers: ClinVar variation 1310832 (VCV001310832.2), dbSNP rs2148830759, ClinGen allele CA339885405.

ClinVar aggregate classification (germline): Uncertain significance (1 of 4 stars; one submission).

Submission:

GeneDx
Classification: Uncertain significance. Last evaluated: 2019-12-03. Review status: criteria provided, single submitter. Criteria: GeneDx Variant Classification Process June 2021. Collection method: clinical testing. Allele origin: germline. Affected: yes.
Comment: Not observed in large population cohorts (Lek et al., 2016); In silico analysis, which includes protein predictors and evolutionary conservation, supports a deleterious effect; Has not been previously published as pathogenic or benign to our knowledge